The following is an entry in ClinVar:

NM_198253.3(TERT):c.1770-6T>G

Gene: TERT (telomerase reverse transcriptase; minus strand). Cytogenetic location: 5p15.33.
Variant type: single nucleotide variant.
Coding change: c.1770-6T>G on transcript NM_198253.3 (MANE Select); 6 bases into the intron before coding-DNA position 1770, T replaced by G.
Molecular consequence: intron variant.
Genome position (GRCh38, 1-based): chr5:1,280,344, A>C on the plus strand (T>G on the coding strand, the complement: TERT is on the minus strand). VCF-style: chr5-1280344-A-C. GRCh37 (hg19) VCF-style: chr5-1280459-A-C.
Other names: c.1770-6T>G (NM_001193376.3).
Identifiers: ClinVar variation 4995837 (VCV004995837.2).

ClinVar aggregate classification (germline): Uncertain significance. Review status: criteria provided, multiple submitters, no conflicts (2 of 4 stars). 2 submissions from 2 submitters: Uncertain significance (2). Last evaluated 2026-06-29.

Conditions:
Dyskeratosis congenita. Identifiers: Orphanet 1775, MedGen C0265965, MONDO:0015780.
TERT-related disorder. Also called: TERT-related condition; TERT-related disorders.

Submissions (2):

Ambry Genetics
Classification: Uncertain significance for Dyskeratosis congenita. Last evaluated: 2026-06-29. Review status: criteria provided, single submitter. Criteria: Ambry Variant Classification Scheme 2023. Collection method: clinical testing. Allele origin: germline.
Comment: The c.1770-6T>G intronic variant results from a T to G substitution 6 nucleotides upstream from coding exon 4 in the TERT gene. This nucleotide position is highly conserved in available vertebrate species. In silico splice site analysis predicts that this alteration will weaken the native splice acceptor site. Based on the available evidence, the clinical significance of this variant remains unclear.

PreventionGenetics, part of Exact Sciences
Classification: Uncertain significance for TERT-related condition. Last evaluated: 2026-05-22. Review status: criteria provided, single submitter. Criteria: ACMG Guidelines, 2015. Collection method: clinical testing. Allele origin: germline.
Comment: The TERT c.1770-6T>G variant is predicted to interfere with splicing. This variant is predicted to alter splicing based on available splicing prediction programs (SpliceAI, Jaganathan et al. 2019. PubMed ID: 30661751). However, the use of computer prediction programs is not equivalent to functional evidence. To our knowledge, this variant has not been reported in the literature or in a large population database (gnomAD), indicating this variant is rare. At this time, the clinical significance of this variant is uncertain due to the absence of conclusive functional and genetic evidence.